The following is an entry in ClinVar:

ClinVar aggregate classification (germline): Uncertain significance (1 of 4 stars; one submission).

Conditions:
Hereditary cancer-predisposing syndrome. Also called: Neoplastic Syndromes, Hereditary; Tumor predisposition; Hereditary Cancer Syndrome; Hereditary neoplastic syndrome. Identifiers: Orphanet 140162, MedGen C0027672, MeSH D009386, MONDO:0015356.

Submission:

Ambry Genetics
Classification: Uncertain significance for Hereditary cancer-predisposing syndrome. Last evaluated: 2020-12-02. Review status: criteria provided, single submitter. Criteria: Ambry Variant Classification Scheme 2023. Collection method: clinical testing. Allele origin: germline.
Comment: The p.E1129Q variant (also known as c.3385G>C), located in coding exon 22 of the ATM gene, results from a G to C substitution at nucleotide position 3385. The glutamic acid at codon 1129 is replaced by glutamine, an amino acid with highly similar properties. This amino acid position is well conserved in available vertebrate species. In addition, this alteration is predicted to be tolerated by in silico analysis. Since supporting evidence is limited at this time, the clinical significance of this alteration remains unclear.

NM_000051.4(ATM):c.3385G>C (p.Glu1129Gln)

Gene: ATM (ATM serine/threonine kinase; plus strand). Cytogenetic location: 11q22.3.
Variant type: single nucleotide variant.
Coding change: c.3385G>C on transcript NM_000051.4 (MANE Select); coding-DNA position 3385, G replaced by C.
Protein change: p.Glu1129Gln; replaces glutamic acid 1129 with glutamine.
Molecular consequence: missense variant.
Genome position (GRCh38, 1-based): chr11:108,279,591, G>C. VCF-style: chr11-108279591-G-C. GRCh37 (hg19) VCF-style: chr11-108150318-G-C.
Other names: c.3385G>C, p.Glu1129Gln (NM_001351834.2); short protein forms E1129Q.
Identifiers: ClinVar variation 1730850 (VCV001730850.2), dbSNP rs876658463, ClinGen allele CA382517775.